The following is an entry in ClinVar:

NM_001127222.2(CACNA1A):c.1256-267TAAA[2]

Gene: CACNA1A (calcium voltage-gated channel subunit alpha1 A; minus strand). Cytogenetic location: 19p13.13.
Variant type: Microsatellite.
Coding change: c.1256-267TAAA[2] on transcript NM_001127222.2 (MANE Select); two copies in a row of the 4-base unit TAAA starting at c.1256-267; the reference has three copies in a row; one copy, 4 bases deleted.
Molecular consequence: intron variant.
Genome position (GRCh38, 1-based): chr19:13,330,589-13,330,592, TTTA deleted on the plus strand (TAAA on the coding strand, the reverse complement: CACNA1A is on the minus strand); deleting any 4 consecutive bases within chr19:13,330,589-13,330,603 gives the same sequence; the position shown is the placement nearest the transcript's 3' end. VCF-style (leftmost placement, unchanged base first): chr19-13330588-GTTTA-G. GRCh37 (hg19) VCF-style: chr19-13441402-GTTTA-G.
Other names: c.1256-264TAAA[2] (NM_001127221.2, NM_001174080.2, NM_000068.4 and 1 more transcripts).
Identifiers: ClinVar variation 668030 (VCV000668030.1), dbSNP rs142629187, ClinGen allele CA305536205.

ClinVar aggregate classification (germline): Benign (1 of 4 stars; one submission).

Submission:

GeneDx
Classification: Benign. Last evaluated: 2018-06-19. Review status: criteria provided, single submitter. Criteria: GeneDx Variant Classification (06012015). Collection method: clinical testing. Allele origin: germline. Affected: yes.
Comment: This variant is considered likely benign or benign based on one or more of the following criteria: it is a conservative change, it occurs at a poorly conserved position in the protein, it is predicted to be benign by multiple in silico algorithms, and/or has population frequency not consistent with disease.